The following is an entry in ClinVar:

NM_001873.4(CPE):c.125G>A (p.Arg42Gln)

Gene: CPE (carboxypeptidase E; plus strand). Cytogenetic location: 4q32.3.
Variant type: single nucleotide variant.
Coding change: c.125G>A on transcript NM_001873.4 (MANE Select); coding-DNA position 125, G replaced by A.
Protein change: p.Arg42Gln; replaces arginine 42 with glutamine.
Molecular consequence: missense variant.
Genome position (GRCh38, 1-based): chr4:165,379,346, G>A. VCF-style: chr4-165379346-G-A. GRCh37 (hg19) VCF-style: chr4-166300498-G-A.
Other names: short protein forms R42Q.
Identifiers: ClinVar variation 4994185 (VCV004994185.1).

ClinVar aggregate classification (germline): Uncertain significance (1 of 4 stars; one submission).

Conditions:
CPE-related disorder. Also called: CPE-related condition.

gnomAD v4.1: 2 of 1,588,526 alleles (0.00013%); highest among the groups gnomAD compares: Non-Finnish European, 0.00017%; no homozygotes.

Submission:

PreventionGenetics, part of Exact Sciences
Classification: Uncertain significance for CPE-related condition. Last evaluated: 2026-03-02. Review status: criteria provided, single submitter. Criteria: ACMG Guidelines, 2015. Collection method: clinical testing. Allele origin: germline.
Comment: The CPE c.125G>A variant is predicted to result in the amino acid substitution p.Arg42Gln. To our knowledge, this variant has not been reported in the literature or in a large population database (gnomAD), indicating this variant is rare. At this time, the clinical significance of this variant is uncertain due to the absence of conclusive functional and genetic evidence.